The following is an entry in ClinVar:

ClinVar aggregate classification (germline): Uncertain significance. Review status: criteria provided, multiple submitters, no conflicts (2 of 4 stars). 2 submissions from 2 submitters: Uncertain significance (2). Last evaluated 2025-08-21.

Allele frequency attached by ClinVar (database versions not stated): ExAC 0.00003; gnomAD 0.00003; gnomAD exomes 0.00005; TOPMed 0.00006.
gnomAD v4.1: 34 of 1,613,782 alleles (0.0021%); highest among the groups gnomAD compares: Admixed American, 0.055%; 1 homozygote.

Submissions (2):

Labcorp Genetics (formerly Invitae), Labcorp
Classification: Uncertain significance. Last evaluated: 2025-08-21. Review status: criteria provided, single submitter. Criteria: Invitae Variant Classification Sherloc (09022015). Collection method: clinical testing. Allele origin: germline.
Comment: This sequence change replaces alanine, which is neutral and non-polar, with threonine, which is neutral and polar, at codon 325 of the IARS protein (p.Ala325Thr). This variant is present in population databases (rs574964056, gnomAD 0.05%), including at least one homozygous and/or hemizygous individual. This variant has not been reported in the literature in individuals affected with IARS-related conditions. ClinVar contains an entry for this variant (Variation ID: 1945800). An algorithm developed to predict the effect of missense changes on protein structure and function (PolyPhen-2) suggests that this variant is likely to be disruptive. In summary, the available evidence is currently insufficient to determine the role of this variant in disease. Therefore, it has been classified as a Variant of Uncertain Significance.

Ambry Genetics
Classification: Uncertain significance. Last evaluated: 2021-04-29. Review status: criteria provided, single submitter. Criteria: Ambry Variant Classification Scheme 2023. Collection method: clinical testing. Allele origin: germline.

NM_002161.6(IARS1):c.973G>A (p.Ala325Thr)

Gene: IARS1 (isoleucyl-tRNA synthetase 1; minus strand). Cytogenetic location: 9q22.31.
Variant type: single nucleotide variant.
Coding change: c.973G>A on transcript NM_002161.6 (MANE Select); coding-DNA position 973, G replaced by A.
Protein change: p.Ala325Thr; replaces alanine 325 with threonine.
Molecular consequence: missense variant. On other transcripts: non-coding transcript variant (1).
Genome position (GRCh38, 1-based): chr9:92,274,443, C>T on the plus strand (G>A on the coding strand, the complement: IARS1 is on the minus strand). VCF-style: chr9-92274443-C-T. GRCh37 (hg19) VCF-style: chr9-95036725-C-T.
Other names: c.973G>A (NM_013417.2); c.973G>A, p.Ala325Thr (NM_001374299.1, NM_001374300.1, NM_001374301.1 and 14 more transcripts); c.1036G>A, p.Ala346Thr (NM_001378569.1); c.994G>A, p.Ala332Thr (NM_001378571.1); c.850G>A, p.Ala284Thr (NM_001378583.1); short protein forms A346T, A284T, A325T, A332T.
Identifiers: ClinVar variation 1945800 (VCV001945800.4), dbSNP rs574964056, ClinGen allele CA5122787.
Genomic context (GRCh38, chr9:92,274,443, plus strand): 5'-TACCGACATACTCAAATACATTTGCCAGACTTATGCTACTCACAGCACCGAAGTAAGGAG[C>T]TTGGTGGACAACCCCTGTGCCTTCTTCTTCCTTCACATAGTTGTCAACAAGCACAGTGAA-3'
Protein context (NP_002152.2, residues 315-335): EEEGTGVVHQ[Ala325Thr]PYFGAEDYRV